The following is an entry in ClinVar:

NM_000135.4(FANCA):c.4046G>A (p.Arg1349Lys)

Genes: ZNF276 (zinc finger protein 276; plus strand), FANCA (FA complementation group A; minus strand). Cytogenetic location: 16q24.3.
Variant type: single nucleotide variant.
Coding change: c.4046G>A on transcript NM_000135.4 (MANE Select); coding-DNA position 4046, G replaced by A.
Protein change: p.Arg1349Lys; replaces arginine 1349 with lysine.
Molecular consequence: missense variant. On other transcripts: 3 prime UTR variant (2), non-coding transcript variant (4).
Genome position (GRCh38, 1-based): chr16:89,739,254, C>T on the plus strand (G>A on the coding strand, the complement: FANCA is on the minus strand). VCF-style: chr16-89739254-C-T. GRCh37 (hg19) VCF-style: chr16-89805662-C-T.
Other names: c.4046G>A, p.Arg1349Lys (NM_001286167.3); c.*1008C>T (NM_001113525.2, NM_152287.4); short protein forms R1349K.
Identifiers: ClinVar variation 3572404 (VCV003572404.1).
Genomic context (GRCh38, chr16:89,739,254, plus strand): 5'-ACGAAGAGCTGGACCAGCTTCAAGTACATGTCCACAGCAACATGCAGGAAGGCCTCTTCC[C>T]TGATGGCCGCGTCTTCATGGAAGTAGGAGAGAAGACTAGAGGTAAAGACATAGTGACAAA-3'
Protein context (NP_000126.2, residues 1339-1359): LSYFHEDAAI[Arg1349Lys]EEAFLHVAVD

ClinVar aggregate classification (germline): Uncertain significance (1 of 4 stars; one submission).

gnomAD v4.1: 1 of 1,614,158 alleles (0.000062%); highest among the groups gnomAD compares: Non-Finnish European, 0.000085%; no homozygotes.

Submission:

Quest Diagnostics Nichols Institute San Juan Capistrano
Classification: Uncertain significance. Last evaluated: 2024-05-11. Review status: criteria provided, single submitter. Criteria: Quest Diagnostics criteria. Collection method: clinical testing. Allele origin: unknown.
Comment: The FANCA c.4046G>A (p.Arg1349Lys) variant has not been reported in individuals with FANCA-related conditions in the published literature. The frequency of this variant in the general population, 0.000008 (2/251300 chromosomes (Genome Aggregation Database)), is uninformative in the assessment of its pathogenicity. Analysis of this variant using bioinformatics tools for the prediction of the effect of amino acid changes on protein structure and function yielded predictions that this variant is benign. Based on the available information, we are unable to determine the clinical significance of this variant.